The following is an entry in ClinVar:

NM_201384.3(PLEC):c.9073G>A (p.Val3025Ile)

Gene: PLEC (plectin; minus strand). Cytogenetic location: 8q24.3.
Variant type: single nucleotide variant.
Coding change: c.9073G>A on transcript NM_201384.3 (MANE Select); coding-DNA position 9073, G replaced by A.
Protein change: p.Val3025Ile; replaces valine 3025 with isoleucine.
Molecular consequence: missense variant.
Genome position (GRCh38, 1-based): chr8:143,920,748, C>T on the plus strand (G>A on the coding strand, the complement: PLEC is on the minus strand). VCF-style: chr8-143920748-C-T. GRCh37 (hg19) VCF-style: chr8-144994916-C-T.
Other names: p.Val3011Ile; c.9154G>A, p.Val3052Ile (NM_000445.5); c.9031G>A, p.Val3011Ile (NM_201378.4); c.9007G>A, p.Val3003Ile (NM_201379.3); c.9484G>A, p.Val3162Ile (NM_201380.4); c.8977G>A, p.Val2993Ile (NM_201381.3); c.9073G>A, p.Val3025Ile (NM_201382.4); c.9085G>A, p.Val3029Ile (NM_201383.3); short protein forms V2993I, V3003I, V3011I, V3025I, V3029I, V3052I, V3162I.
Identifiers: ClinVar variation 93088 (VCV000093088.20), dbSNP rs35027700, ClinGen allele CA146618.

ClinVar aggregate classification (germline): Benign/Likely benign. Review status: criteria provided, multiple submitters, no conflicts (2 of 4 stars). 7 submissions from 7 submitters: Benign (4); Likely benign (2). 1 of the submissions does not count toward it. Last evaluated 2026-02-03.

Conditions:
Epidermolysis bullosa simplex with nail dystrophy (EBS5D). Identifiers: MedGen C4225309, MONDO:0014661, OMIM 616487.
Epidermolysis bullosa simplex 5C, with pyloric atresia (EBS5C). Also called: PLEC-Related Epidermolysis Bullosa with Pyloric Atresia; Epidermolysis bullosa simplex with pyloric atresia; PLEC1-Related Epidermolysis Bullosa with Pyloric Atresia. Identifiers: Orphanet 158684, MedGen C2677349, MONDO:0012807, OMIM 612138.
Epidermolysis bullosa simplex 5B, with muscular dystrophy (EBS5B). Also called: EPIDERMOLYSIS BULLOSA SIMPLEX AND LIMB-GIRDLE MUSCULAR DYSTROPHY; Epidermolysis bullosa simplex with muscular dystrophy. Identifiers: Orphanet 257, MedGen C2931072, MONDO:0009181, OMIM 226670.
Autosomal recessive limb-girdle muscular dystrophy type 2Q (LGMDR17). Also called: MUSCULAR DYSTROPHY, LIMB-GIRDLE, AUTOSOMAL RECESSIVE 17. Identifiers: Orphanet 254361, MedGen C3150989, MONDO:0013390, OMIM 613723.
Epidermolysis bullosa simplex, Ogna type (EBS5A). Also called: Pidermolysis bullosa simplex 5A, Ogna type; EPIDERMOLYSIS BULLOSA SIMPLEX 5A, OGNA TYPE. Identifiers: Orphanet 79401, MedGen C0432317, MONDO:0007555, OMIM 131950.

Allele frequency attached by ClinVar (database versions not stated): gnomAD 0.07249 and 0.07759; TOPMed 0.08335; 1000 Genomes Project 30x 0.08963; gnomAD exomes 0.01973 and 0.00797; ExAC 0.02236; ESP Exome Variant Server 0.07028; 1000 Genomes Project 0.08367.
gnomAD v4.1: 23,119 of 1,605,206 alleles (1.4%); highest among the groups gnomAD compares: African/African-American, 25%; 2,490 homozygotes.

Submissions (7):

Labcorp Genetics (formerly Invitae), Labcorp
Classification: Benign for Autosomal recessive limb-girdle muscular dystrophy type 2Q; Epidermolysis bullosa simplex, Ogna type; Epidermolysis bullosa simplex with nail dystrophy; Epidermolysis bullosa simplex 5C, with pyloric atresia; Epidermolysis bullosa simplex 5B, with muscular dystrophy. Last evaluated: 2026-02-03. Review status: criteria provided, single submitter. Criteria: Invitae Variant Classification Sherloc (09022015). Collection method: clinical testing. Allele origin: germline.

Mayo Clinic Laboratories, Mayo Clinic
Classification: Benign. Last evaluated: 2018-02-19. Review status: criteria provided, single submitter. Criteria: ACMG Guidelines, 2015. Collection method: clinical testing. Allele origin: germline. Observed: 78 variant alleles.

GeneDx
Classification: Benign. Last evaluated: 2016-03-21. Review status: criteria provided, single submitter. Criteria: GeneDx Variant Classification (06012015). Collection method: clinical testing. Allele origin: germline. Affected: yes.
Comment: This variant is considered likely benign or benign based on one or more of the following criteria: it is a conservative change, it occurs at a poorly conserved position in the protein, it is predicted to be benign by multiple in silico algorithms, and/or has population frequency not consistent with disease.

Eurofins Ntd Llc (ga)
Classification: Benign. Last evaluated: 2013-04-26. Review status: criteria provided, single submitter. Criteria: EGL Classification Definitions 2015. Collection method: clinical testing. Allele origin: germline. Observed: 3 variant alleles, 3 heterozygotes.

Breakthrough Genomics
Classification: Likely benign. Review status: criteria provided, single submitter. Criteria: ACMG Guidelines, 2015. Collection method: not provided. Allele origin: germline. Inheritance: Autosomal recessive inheritance. Affected: yes.

PreventionGenetics, part of Exact Sciences
Classification: Likely benign. Review status: criteria provided, single submitter. Criteria: ACMG Guidelines, 2015. Collection method: clinical testing. Allele origin: germline.

Genetic Services Laboratory, University of Chicago
Classification: Likely benign for AllHighlyPenetrant. Review status: no assertion criteria provided. Collection method: clinical testing. Allele origin: germline. Inheritance: Autosomal recessive inheritance. Not counted in ClinVar's aggregate classification.
Comment: Likely benign based on allele frequency in 1000 Genomes Project or ESP global frequency and its presence in a patient with a rare or unrelated disease phenotype. NOT Sanger confirmed.